The following is an entry in ClinVar:

NM_004260.4(RECQL4):c.969C>G (p.Ser323Arg)

Gene: RECQL4 (RecQ like helicase 4; minus strand). Cytogenetic location: 8q24.3.
Variant type: single nucleotide variant.
Coding change: c.969C>G on transcript NM_004260.4 (MANE Select); coding-DNA position 969, C replaced by G.
Protein change: p.Ser323Arg; replaces serine 323 with arginine.
Molecular consequence: missense variant.
Genome position (GRCh38, 1-based): chr8:144,516,150, G>C on the plus strand (C>G on the coding strand, the complement: RECQL4 is on the minus strand). VCF-style: chr8-144516150-G-C. GRCh37 (hg19) VCF-style: chr8-145741534-G-C.
Other names: short protein forms S323R.
Identifiers: ClinVar variation 1362660 (VCV001362660.6), dbSNP rs745658597, ClinGen allele CA372688497.

ClinVar aggregate classification (germline): Uncertain significance (1 of 4 stars; one submission).

Conditions:
Baller-Gerold syndrome (BGS). Also called: CRANIOSYNOSTOSIS WITH RADIAL DEFECTS. Identifiers: Orphanet 1225, MedGen C0265308, MONDO:0009039, OMIM 218600.

Submission:

Labcorp Genetics (formerly Invitae), Labcorp
Classification: Uncertain significance for Baller-Gerold syndrome. Last evaluated: 2023-08-09. Review status: criteria provided, single submitter. Criteria: Invitae Variant Classification Sherloc (09022015). Collection method: clinical testing. Allele origin: germline.
Comment: This variant has not been reported in the literature in individuals affected with RECQL4-related conditions. In summary, the available evidence is currently insufficient to determine the role of this variant in disease. Therefore, it has been classified as a Variant of Uncertain Significance. Experimental studies and prediction algorithms are not available or were not evaluated, and the functional significance of this variant is currently unknown. ClinVar contains an entry for this variant (Variation ID: 1362660). This variant is not present in population databases (gnomAD no frequency). This sequence change replaces serine, which is neutral and polar, with arginine, which is basic and polar, at codon 323 of the RECQL4 protein (p.Ser323Arg).